The following is an entry in ClinVar:

NM_000969.5(RPL5):c.527+1_527+2delinsTG

Genes: DIPK1A (divergent protein kinase domain 1A; minus strand), RPL5 (ribosomal protein L5; plus strand). Cytogenetic location: 1p22.1.
Variant type: Indel.
Coding change: c.527+1_527+2delinsTG on transcript NM_000969.5 (MANE Select); the canonical splice donor site of the intron after coding-DNA position 527, GT replaced by TG.
Molecular consequence: splice donor variant. On other transcripts: intron variant (1).
Genome position (GRCh38, 1-based): chr1:92,836,393-92,836,394, GT replaced by TG. VCF-style: chr1-92836393-GT-TG. GRCh37 (hg19) VCF-style: chr1-93301950-GT-TG.
Other names: c.475-3360_475-3359delinsCA (NM_001252273.2).
Identifiers: ClinVar variation 2578577 (VCV002578577.23), dbSNP rs2524458159, ClinGen allele CA2580617971.

ClinVar aggregate classification (germline): Pathogenic (1 of 4 stars; one submission).

Submission:

CeGaT Center for Human Genetics Tuebingen
Classification: Pathogenic. Last evaluated: 2023-07-01. Review status: criteria provided, single submitter. Criteria: CeGaT Center For Human Genetics Tuebingen Variant Classification Criteria Version 2. Collection method: clinical testing. Allele origin: germline. Affected: yes. Observed: 1 variant allele.
Comment: RPL5: PVS1, PM2, PP4, PS1:Supporting, PS4:Supporting